The following is an entry in ClinVar:

NM_013339.4(ALG6):c.429+2T>C

Gene: ALG6 (ALG6 alpha-1,3-glucosyltransferase; plus strand). Cytogenetic location: 1p31.3.
Variant type: single nucleotide variant.
Coding change: c.429+2T>C on transcript NM_013339.4 (MANE Select); the canonical splice donor site of the intron after coding-DNA position 429, T replaced by C.
Molecular consequence: splice donor variant.
Genome position (GRCh38, 1-based): chr1:63,406,401, T>C. VCF-style: chr1-63406401-T-C. GRCh37 (hg19) VCF-style: chr1-63872072-T-C.
Identifiers: ClinVar variation 2105283 (VCV002105283.5), dbSNP rs1270337982, ClinGen allele CA340634650.

ClinVar aggregate classification (germline): Likely pathogenic (1 of 4 stars; one submission).

Conditions:
ALG6-congenital disorder of glycosylation 1C (CDG1C). Also called: Congenital disorder of glycosylation, type Ic; CDG Ic; CARBOHYDRATE-DEFICIENT GLYCOPROTEIN SYNDROME, TYPE I, WITH DEFICIENT GLYCOSYLATION OF DOLICHOL-LINKED OLIGOSACCHARIDE; CARBOHYDRATE-DEFICIENT GLYCOPROTEIN SYNDROME, TYPE V; Congenital disorder of glycosylation type 1C. Identifiers: Orphanet 79320, MedGen C2930997, MONDO:0011291, OMIM 603147.

Allele frequency attached by ClinVar (database versions not stated): gnomAD exomes below 0.00001; TOPMed below 0.00001.
gnomAD v4.1: 4 of 1,611,964 alleles (0.00025%); highest among the groups gnomAD compares: South Asian, 0.0011%; no homozygotes.

Submission:

Labcorp Genetics (formerly Invitae), Labcorp
Classification: Likely pathogenic for ALG6-congenital disorder of glycosylation 1C. Last evaluated: 2022-05-14. Review status: criteria provided, single submitter. Criteria: Invitae Variant Classification Sherloc (09022015). Collection method: clinical testing. Allele origin: germline.
Comment: This variant is not present in population databases (gnomAD no frequency). This sequence change affects a donor splice site in intron 6 of the ALG6 gene. It is expected to disrupt RNA splicing. Variants that disrupt the donor or acceptor splice site typically lead to a loss of protein function (PMID: 16199547), and loss-of-function variants in ALG6 are known to be pathogenic (PMID: 19862844). In summary, the currently available evidence indicates that the variant is pathogenic, but additional data are needed to prove that conclusively. Therefore, this variant has been classified as Likely Pathogenic. Algorithms developed to predict the effect of sequence changes on RNA splicing suggest that this variant may disrupt the consensus splice site. This variant has not been reported in the literature in individuals affected with ALG6-related conditions.

Literature cited by the submitters: PubMed 16199547; PubMed 19862844.